The following is an entry in ClinVar:

ClinVar aggregate classification (germline): Uncertain significance (1 of 4 stars; one submission).

Conditions:
Ullrich congenital muscular dystrophy 2 (UCMD2). Identifiers: Orphanet 75840, MedGen C4225314, MONDO:0014654, OMIM 616470.
Bethlem myopathy 2 (BTHLM2). Identifiers: Orphanet 536516, Orphanet 610, MedGen C4225313, MONDO:0034022, OMIM 616471.

Allele frequency attached by ClinVar (database versions not stated): gnomAD exomes below 0.00001.
gnomAD v4.1: 5 of 1,613,888 alleles (0.00031%); highest among the groups gnomAD compares: Non-Finnish European, 0.00042%; no homozygotes.

Submission:

Labcorp Genetics (formerly Invitae), Labcorp
Classification: Uncertain significance for Bethlem myopathy 2; Ullrich congenital muscular dystrophy 2. Last evaluated: 2025-06-02. Review status: criteria provided, single submitter. Criteria: Invitae Variant Classification Sherloc (09022015). Collection method: clinical testing. Allele origin: germline.
Comment: This sequence change replaces cysteine, which is neutral and slightly polar, with tyrosine, which is neutral and polar, at codon 3049 of the COL12A1 protein (p.Cys3049Tyr). This variant is present in population databases (no rsID available, gnomAD 0.0009%). This variant has not been reported in the literature in individuals affected with COL12A1-related conditions. ClinVar contains an entry for this variant (Variation ID: 572743). An algorithm developed to predict the effect of missense changes on protein structure and function (PolyPhen-2) suggests that this variant is likely to be disruptive. In summary, the available evidence is currently insufficient to determine the role of this variant in disease. Therefore, it has been classified as a Variant of Uncertain Significance.

NM_004370.6(COL12A1):c.9146G>A (p.Cys3049Tyr)

Gene: COL12A1 (collagen type XII alpha 1 chain; minus strand). Cytogenetic location: 6q13.
Variant type: single nucleotide variant.
Coding change: c.9146G>A on transcript NM_004370.6 (MANE Select); coding-DNA position 9146, G replaced by A.
Protein change: p.Cys3049Tyr; replaces cysteine 3049 with tyrosine.
Molecular consequence: missense variant.
Genome position (GRCh38, 1-based): chr6:75,087,612, C>T on the plus strand (G>A on the coding strand, the complement: COL12A1 is on the minus strand). VCF-style: chr6-75087612-C-T. GRCh37 (hg19) VCF-style: chr6-75797328-C-T.
Other names: c.5654G>A, p.Cys1885Tyr (NM_080645.3); short protein forms C3049Y, C1885Y.
Identifiers: ClinVar variation 572743 (VCV000572743.9), dbSNP rs1268620135, ClinGen allele CA364732704.
Genomic context (GRCh38, chr6:75,087,612, plus strand): 5'-GGTTCCTACAATGGCAACAACGTACCTGGATAGCCTTGCCCGTTGTATGGGATGCTGGCA[C>T]ACTGAGAAGAATCACAGTATCCAGGAGGACCTGGGGGTCCTCGGATACCTGAGTTTCCAG-3'
Protein context (NP_004361.3, residues 3039-3059): GPPGYCDSSQ[Cys3049Tyr]ASIPYNGQGY